The following is an entry in ClinVar:

ClinVar aggregate classification (germline): Uncertain significance (1 of 4 stars; one submission).

Allele frequency attached by ClinVar (database versions not stated): gnomAD exomes below 0.00001.
gnomAD v4.1: 4 of 1,610,846 alleles (0.00025%); highest among the groups gnomAD compares: Non-Finnish European, 0.00034%; no homozygotes.

Submission:

Labcorp Genetics (formerly Invitae), Labcorp
Classification: Uncertain significance. Last evaluated: 2023-04-14. Review status: criteria provided, single submitter. Criteria: Invitae Variant Classification Sherloc (09022015). Collection method: clinical testing. Allele origin: germline.
Comment: ClinVar contains an entry for this variant (Variation ID: 958691). This sequence change replaces leucine, which is neutral and non-polar, with valine, which is neutral and non-polar, at codon 1694 of the POLE protein (p.Leu1694Val). This variant is not present in population databases (gnomAD no frequency). This variant has not been reported in the literature in individuals affected with POLE-related conditions. Advanced modeling of protein sequence and biophysical properties (such as structural, functional, and spatial information, amino acid conservation, physicochemical variation, residue mobility, and thermodynamic stability) performed at Invitae indicates that this missense variant is not expected to disrupt POLE protein function. In summary, the available evidence is currently insufficient to determine the role of this variant in disease. Therefore, it has been classified as a Variant of Uncertain Significance.

NM_006231.4(POLE):c.5080C>G (p.Leu1694Val)

Gene: POLE (DNA polymerase epsilon, catalytic subunit; minus strand). Cytogenetic location: 12q24.33.
Variant type: single nucleotide variant.
Coding change: c.5080C>G on transcript NM_006231.4 (MANE Select); coding-DNA position 5080, C replaced by G.
Protein change: p.Leu1694Val; replaces leucine 1694 with valine.
Molecular consequence: missense variant.
Genome position (GRCh38, 1-based): chr12:132,642,270, G>C on the plus strand (C>G on the coding strand, the complement: POLE is on the minus strand). VCF-style: chr12-132642270-G-C. GRCh37 (hg19) VCF-style: chr12-133218856-G-C.
Other names: short protein forms L1694V.
Identifiers: ClinVar variation 958691 (VCV000958691.9), dbSNP rs2042162706, ClinGen allele CA387376999.